The following is an entry in ClinVar:

NM_018109.4(MTPAP):c.500A>T (p.Asn167Ile)

Gene: MTPAP (mitochondrial poly(A) polymerase; minus strand). Cytogenetic location: 10p11.23.
Variant type: single nucleotide variant.
Coding change: c.500A>T on transcript NM_018109.4 (MANE Select); coding-DNA position 500, A replaced by T.
Protein change: p.Asn167Ile; replaces asparagine 167 with isoleucine.
Molecular consequence: missense variant.
Genome position (GRCh38, 1-based): chr10:30,340,281, T>A on the plus strand (A>T on the coding strand, the complement: MTPAP is on the minus strand). VCF-style: chr10-30340281-T-A. GRCh37 (hg19) VCF-style: chr10-30629210-T-A.
Other names: short protein forms N167I.
Identifiers: ClinVar variation 2044783 (VCV002044783.1), dbSNP rs762331215, ClinGen allele CA5459179.

ClinVar aggregate classification (germline): Uncertain significance (1 of 4 stars; one submission).

gnomAD v4.1: 4 of 1,614,192 alleles (0.00025%); highest among the groups gnomAD compares: Admixed American, 0.0067%; no homozygotes.

Submission:

Labcorp Genetics (formerly Invitae), Labcorp
Classification: Uncertain significance. Last evaluated: 2021-12-13. Review status: criteria provided, single submitter. Criteria: Invitae Variant Classification Sherloc (09022015). Collection method: clinical testing. Allele origin: germline.
Comment: This sequence change replaces asparagine, which is neutral and polar, with isoleucine, which is neutral and non-polar, at codon 167 of the MTPAP protein (p.Asn167Ile). This variant is present in population databases (rs762331215, gnomAD 0.01%). This variant has not been reported in the literature in individuals affected with MTPAP-related conditions. Algorithms developed to predict the effect of missense changes on protein structure and function (SIFT, PolyPhen-2, Align-GVGD) all suggest that this variant is likely to be tolerated. In summary, the available evidence is currently insufficient to determine the role of this variant in disease. Therefore, it has been classified as a Variant of Uncertain Significance.